The following is an entry in ClinVar:

ClinVar aggregate classification (germline): Likely pathogenic (1 of 4 stars; one submission).

Conditions:
Diffuse cerebral and cerebellar atrophy - intractable seizures - progressive microcephaly syndrome. Also called: Microcephaly, progressive, with seizures and cerebral and cerebellar atrophy. Identifiers: Orphanet 404437, MedGen C4014239, MONDO:0014335, OMIM 615760.

gnomAD v4.1: 2 of 1,614,232 alleles (0.00012%); highest among the groups gnomAD compares: Admixed American, 0.0017%; no homozygotes.

Submission:

Labcorp Genetics (formerly Invitae), Labcorp
Classification: Likely pathogenic for Diffuse cerebral and cerebellar atrophy - intractable seizures - progressive microcephaly syndrome. Last evaluated: 2024-11-09. Review status: criteria provided, single submitter. Criteria: Invitae Variant Classification Sherloc (09022015). Collection method: clinical testing. Allele origin: germline.
Comment: This sequence change affects a donor splice site in intron 21 of the QARS gene. It is expected to disrupt RNA splicing. Variants that disrupt the donor or acceptor splice site typically lead to a loss of protein function (PMID: 16199547), and loss-of-function variants in QARS are known to be pathogenic (PMID: 24656866, 25471517). This variant is present in population databases (no rsID available, gnomAD 0.003%). This variant has not been reported in the literature in individuals affected with QARS-related conditions. Algorithms developed to predict the effect of sequence changes on RNA splicing suggest that this variant may disrupt the consensus splice site. In summary, the currently available evidence indicates that the variant is pathogenic, but additional data are needed to prove that conclusively. Therefore, this variant has been classified as Likely Pathogenic.

Literature cited by the submitters: PubMed 16199547; PubMed 24656866; PubMed 25471517.

NM_005051.3(QARS1):c.2084+1G>A

Gene: QARS1 (glutaminyl-tRNA synthetase 1; minus strand). Cytogenetic location: 3p21.31.
Variant type: single nucleotide variant.
Coding change: c.2084+1G>A on transcript NM_005051.3 (MANE Select); the canonical splice donor site of the intron after coding-DNA position 2084, G replaced by A.
Molecular consequence: splice donor variant.
Genome position (GRCh38, 1-based): chr3:49,098,352, C>T on the plus strand (G>A on the coding strand, the complement: QARS1 is on the minus strand). VCF-style: chr3-49098352-C-T. GRCh37 (hg19) VCF-style: chr3-49135785-C-T.
Other names: c.2051+1G>A (NM_001272073.2).
Identifiers: ClinVar variation 3631779 (VCV003631779.2).